The following is an entry in ClinVar:

NM_016373.4(WWOX):c.1232G>C (p.Ser411Thr)

Genes: MAF (MAF bZIP transcription factor; minus strand), WWOX (WW domain containing oxidoreductase; plus strand). Cytogenetic location: 16q23.2.
Variant type: single nucleotide variant.
Coding change: c.1232G>C on transcript NM_016373.4 (MANE Select); coding-DNA position 1232, G replaced by C.
Protein change: p.Ser411Thr; replaces serine 411 with threonine.
Molecular consequence: missense variant.
Genome position (GRCh38, 1-based): chr16:79,211,783, G>C. VCF-style: chr16-79211783-G-C. GRCh37 (hg19) VCF-style: chr16-79245680-G-C.
Other names: c.1232G>C (NM_016373.2); c.893G>C, p.Ser298Thr (NM_001291997.2); short protein forms S298T, S411T.
Identifiers: ClinVar variation 2130348 (VCV002130348.5), dbSNP rs1297812511, ClinGen allele CA396537346.
Genomic context (GRCh38, chr16:79,211,783, plus strand): 5'-AAGAGACGGCCCGGACCCTGTGGGCGCTCAGCGAGAGGCTGATCCAAGAACGGCTTGGCA[G>C]CCAGTCCGGCTAAGTGGAGCTCAGAGCGGATGGGCACACACACCCGCCCTGTGTGTGTCC-3'
Protein context (NP_057457.1, residues 401-414): SERLIQERLG[Ser411Thr]QSG

ClinVar aggregate classification (germline): Uncertain significance. Review status: criteria provided, multiple submitters, no conflicts (2 of 4 stars). 2 submissions from 2 submitters: Uncertain significance (2). Last evaluated 2025-10-29.

Conditions:
Developmental and epileptic encephalopathy, 1 (DEE1). Also called: Epileptic encephalopathy, early infantile, 1; X-linked infantile spasms; West's syndrome; Tonic spasms with clustering, arrest of psychomotor development and hypsarrhythmia on EEG; X-Linked Infantile Spasm Syndrome; OHTAHARA SYNDROME, X-LINKED. Identifiers: MedGen C3463992, MONDO:0010632, OMIM 308350. Disease mechanism: loss of function.
Autosomal recessive spinocerebellar ataxia 12. Also called: SPINOCEREBELLAR ATAXIA WITH MENTAL RETARDATION AND EPILEPSY. Identifiers: Orphanet 284282, MedGen C3280452, MONDO:0013687, OMIM 614322.
Inborn genetic diseases. Identifiers: MedGen C0950123, MeSH D030342.

Allele frequency attached by ClinVar (database versions not stated): TOPMed below 0.00001.
gnomAD v4.1: 1 of 1,614,076 alleles (0.000062%); highest among the groups gnomAD compares: Non-Finnish European, 0.000085%; no homozygotes.

Submissions (2):

Ambry Genetics
Classification: Uncertain significance for Inborn genetic diseases. Last evaluated: 2025-10-29. Review status: criteria provided, single submitter. Criteria: Ambry Variant Classification Scheme 2023. Collection method: clinical testing. Allele origin: germline.

Labcorp Genetics (formerly Invitae), Labcorp
Classification: Uncertain significance for Developmental and epileptic encephalopathy, 1; Autosomal recessive spinocerebellar ataxia 12. Last evaluated: 2022-09-13. Review status: criteria provided, single submitter. Criteria: Invitae Variant Classification Sherloc (09022015). Collection method: clinical testing. Allele origin: germline.
Comment: In summary, the available evidence is currently insufficient to determine the role of this variant in disease. Therefore, it has been classified as a Variant of Uncertain Significance. Algorithms developed to predict the effect of missense changes on protein structure and function are either unavailable or do not agree on the potential impact of this missense change (SIFT: "Not Available"; PolyPhen-2: "Benign"; Align-GVGD: "Not Available"). This variant has not been reported in the literature in individuals affected with WWOX-related conditions. This variant is not present in population databases (gnomAD no frequency). This sequence change replaces serine, which is neutral and polar, with threonine, which is neutral and polar, at codon 411 of the WWOX protein (p.Ser411Thr).